The following is an entry in ClinVar:

NM_001318890.3(ACSM1):c.1284C>A (p.Leu428=)

Gene: ACSM1 (acyl-CoA synthetase medium chain family member 1; minus strand). Cytogenetic location: 16p12.3.
Variant type: single nucleotide variant.
Coding change: c.1284C>A on transcript NM_001318890.3 (MANE Select); coding-DNA position 1284, C replaced by A.
Protein change: p.Leu428=; no amino-acid change (leucine 428 retained).
Molecular consequence: synonymous variant.
Genome position (GRCh38, 1-based): chr16:20,636,754, G>T on the plus strand (C>A on the coding strand, the complement: ACSM1 is on the minus strand). VCF-style: chr16-20636754-G-T. GRCh37 (hg19) VCF-style: chr16-20648076-G-T.
Other names: c.1284C>A, p.Leu428= (NM_052956.3).
Identifiers: ClinVar variation 2646284 (VCV002646284.24), dbSNP rs61739414, ClinGen allele CA7942848.
Genomic context (GRCh38, chr16:20,636,754, plus strand): 5'-TTGGGATCCTTGGGGCCAGGATGGGGGCAGATGGGGGGTCATTACCTCATAGCACATGAA[G>T]AGGCTCACAGGCCTGACAGGTTTGATTCTGATGCCAATGTTTCCTTCTGTGTTAGGTGGC-3'
Protein context (NP_001305819.1, residues 418-438): IRIKPVRPVS[Leu428=]FMCYEGDPEK

ClinVar aggregate classification (germline): Likely benign (1 of 4 stars; one submission).

Allele frequency attached by ClinVar (database versions not stated): 1000 Genomes Project 30x 0.00078; 1000 Genomes Project 0.00080; ESP Exome Variant Server 0.00315; gnomAD 0.00346; TOPMed 0.00367.
gnomAD v4.1: 8,270 of 1,613,998 alleles (0.51%); highest among the groups gnomAD compares: Non-Finnish European, 0.62%; 27 homozygotes.

Submission:

CeGaT Center for Human Genetics Tuebingen
Classification: Likely benign. Last evaluated: 2022-03-01. Review status: criteria provided, single submitter. Criteria: CeGaT Center For Human Genetics Tuebingen Variant Classification Criteria Version 2. Collection method: clinical testing. Allele origin: germline. Affected: yes. Observed: 1 variant allele.
Comment: ACSM1: BP4, BP7